The following is an entry in ClinVar:

NM_015141.4(GPD1L):c.322A>T (p.Thr108Ser)

Gene: GPD1L (glycerol-3-phosphate dehydrogenase 1 like; plus strand). Cytogenetic location: 3p22.3.
Variant type: single nucleotide variant.
Coding change: c.322A>T on transcript NM_015141.4 (MANE Select); coding-DNA position 322, A replaced by T.
Protein change: p.Thr108Ser; replaces threonine 108 with serine.
Molecular consequence: missense variant.
Genome position (GRCh38, 1-based): chr3:32,138,683, A>T. VCF-style: chr3-32138683-A-T. GRCh37 (hg19) VCF-style: chr3-32180175-A-T.
Other names: short protein forms T108S.
Identifiers: ClinVar variation 1729165 (VCV001729165.7), dbSNP rs2471396634, ClinGen allele CA351974329.

ClinVar aggregate classification (germline): Uncertain significance. Review status: criteria provided, multiple submitters, no conflicts (2 of 4 stars). 2 submissions from 2 submitters: Uncertain significance (2). Last evaluated 2022-10-17.

Conditions:
Cardiovascular phenotype. Identifiers: MedGen CN230736.
Brugada syndrome. Also called: Sudden unexpected nocturnal death syndrome; Sudden Unexplained Death Syndrome; Sudden Unexplained Nocturnal Death Syndrome (SUNDS); Sudden unexplained nocturnal death syndrome. Identifiers: Orphanet 130, MedGen C1142166, MONDO:0015263.

Submissions (2):

Labcorp Genetics (formerly Invitae), Labcorp
Classification: Uncertain significance for Brugada syndrome. Last evaluated: 2022-10-17. Review status: criteria provided, single submitter. Criteria: Invitae Variant Classification Sherloc (09022015). Collection method: clinical testing. Allele origin: germline.
Comment: This sequence change replaces threonine, which is neutral and polar, with serine, which is neutral and polar, at codon 108 of the GPD1L protein (p.Thr108Ser). This variant is not present in population databases (gnomAD no frequency). This variant has not been reported in the literature in individuals affected with GPD1L-related conditions. Advanced modeling of protein sequence and biophysical properties (such as structural, functional, and spatial information, amino acid conservation, physicochemical variation, residue mobility, and thermodynamic stability) performed at Invitae indicates that this missense variant is not expected to disrupt GPD1L protein function. In summary, the available evidence is currently insufficient to determine the role of this variant in disease. Therefore, it has been classified as a Variant of Uncertain Significance.

Ambry Genetics
Classification: Uncertain significance for Cardiovascular phenotype. Last evaluated: 2021-04-23. Review status: criteria provided, single submitter. Criteria: Ambry Variant Classification Scheme 2023. Collection method: clinical testing. Allele origin: germline.
Comment: The p.T108S variant (also known as c.322A>T), located in coding exon 3 of the GPD1L gene, results from an A to T substitution at nucleotide position 322. The threonine at codon 108 is replaced by serine, an amino acid with similar properties. This amino acid position is not well conserved in available vertebrate species, and serine is the reference amino acid in other vertebrate species. In addition, this alteration is predicted to be tolerated by in silico analysis. Since supporting evidence is limited at this time, the clinical significance of this alteration remains unclear.